The following is an entry in ClinVar:

ClinVar aggregate classification (germline): Uncertain significance (1 of 4 stars; one submission).

Conditions:
Spastic paraplegia. Identifiers: MedGen C0037772, HP:0001258.

Allele frequency attached by ClinVar (database versions not stated): TOPMed below 0.00001.
gnomAD v4.1: 7 of 1,613,952 alleles (0.00043%); highest among the groups gnomAD compares: Middle Eastern, 0.033%; no homozygotes.

Submission:

Labcorp Genetics (formerly Invitae), Labcorp
Classification: Uncertain significance for Spastic paraplegia. Last evaluated: 2024-03-01. Review status: criteria provided, single submitter. Criteria: Invitae Variant Classification Sherloc (09022015). Collection method: clinical testing. Allele origin: germline.
Comment: This sequence change affects codon 323 of the KIF5A mRNA. It is a 'silent' change, meaning that it does not change the encoded amino acid sequence of the KIF5A protein. It affects a nucleotide within the consensus splice site. This variant is present in population databases (no rsID available, gnomAD 0.0009%). This variant has not been reported in the literature in individuals affected with KIF5A-related conditions. Algorithms developed to predict the effect of sequence changes on RNA splicing suggest that this variant is not likely to affect RNA splicing. In summary, the available evidence is currently insufficient to determine the role of this variant in disease. Therefore, it has been classified as a Variant of Uncertain Significance.

NM_004984.4(KIF5A):c.967C>A (p.Arg323=)

Gene: KIF5A (kinesin family member 5A; plus strand). Cytogenetic location: 12q13.3.
Variant type: single nucleotide variant.
Coding change: c.967C>A on transcript NM_004984.4 (MANE Select); coding-DNA position 967, C replaced by A.
Protein change: p.Arg323=; no amino-acid change (arginine 323 retained).
Molecular consequence: synonymous variant.
Genome position (GRCh38, 1-based): chr12:57,569,403, C>A. VCF-style: chr12-57569403-C-A. GRCh37 (hg19) VCF-style: chr12-57963186-C-A.
Other names: c.700C>A, p.Arg234= (NM_001354705.2).
Identifiers: ClinVar variation 2889964 (VCV002889964.3), dbSNP rs1012819766, ClinGen allele CA237783332.